The following is an entry in ClinVar:

NM_001345.5(DGKA):c.410A>G (p.Lys137Arg)

Gene: DGKA (diacylglycerol kinase alpha; plus strand). Cytogenetic location: 12q13.2.
Variant type: single nucleotide variant.
Coding change: c.410A>G on transcript NM_001345.5 (MANE Select); coding-DNA position 410, A replaced by G.
Protein change: p.Lys137Arg; replaces lysine 137 with arginine.
Molecular consequence: missense variant. On other transcripts: 5 prime UTR variant (5), non-coding transcript variant (2), intron variant (3).
Genome position (GRCh38, 1-based): chr12:55,938,925, A>G. VCF-style: chr12-55938925-A-G. GRCh37 (hg19) VCF-style: chr12-56332709-A-G.
Other names: c.410A>G, p.Lys137Arg (NM_001351033.2, NM_001351034.2, NM_001413596.1 and 8 more transcripts); c.524A>G, p.Lys175Arg (NM_001351035.1); c.-14A>G (NM_001351036.2, NM_001351037.1); c.-564A>G (NM_001351038.2, NM_001351039.2, NM_001351040.2); c.400-14A>G (NM_001413599.1, NM_001413600.1, NM_001413601.1); short protein forms K137R, K175R.
Identifiers: ClinVar variation 3042893 (VCV003042893.2), dbSNP rs149792147, ClinGen allele CA6619231.

ClinVar aggregate classification (germline): Likely benign (0 of 4 stars; one submission).

Conditions:
DGKA-related disorder. Also called: DGKA-related condition.

Allele frequency attached by ClinVar (database versions not stated): 1000 Genomes Project 0.00060; 1000 Genomes Project 30x 0.00062; gnomAD 0.00137; ESP Exome Variant Server 0.00154; ExAC 0.00164; TOPMed 0.00165; gnomAD exomes 0.00189.
gnomAD v4.1: 2,995 of 1,614,228 alleles (0.19%); highest among the groups gnomAD compares: Non-Finnish European, 0.21%; 8 homozygotes.

Submission:

PreventionGenetics, part of Exact Sciences
Classification: Likely benign for DGKA-related condition. Last evaluated: 2022-02-22. Review status: no assertion criteria provided. Collection method: clinical testing. Allele origin: germline.
Comment: This variant is classified as likely benign based on ACMG/AMP sequence variant interpretation guidelines (Richards et al. 2015 PMID: 25741868, with internal and published modifications).